The following is an entry in ClinVar:

ClinVar aggregate classification (germline): Benign (1 of 4 stars; one submission).

Conditions:
Neuropathy, hereditary sensory and autonomic, type 1C. Also called: HSAN IC; HSN IC. Identifiers: Orphanet 36386, MedGen C3150896, MONDO:0013337, OMIM 613640.

Allele frequency attached by ClinVar (database versions not stated): gnomAD 0.00042 and 0.00056; TOPMed 0.00053; 1000 Genomes Project 30x 0.00219; 1000 Genomes Project 0.00240.

Submission:

Illumina Laboratory Services, Illumina
Classification: Benign for Neuropathy, hereditary sensory and autonomic, type 1C. Last evaluated: 2018-01-13. Review status: criteria provided, single submitter. Criteria: ICSL Variant Classification Criteria 13 December 2019. Collection method: clinical testing. Allele origin: germline.
Comment: This variant was observed in the ICSL laboratory as part of a predisposition screen in an ostensibly healthy population. It had not been previously curated by ICSL or reported in the Human Gene Mutation Database (HGMD: prior to June 1st, 2018), and was therefore a candidate for classification through an automated scoring system. Utilizing variant allele frequency, disease prevalence and penetrance estimates, and inheritance mode, an automated score was calculated to assess if this variant is too frequent to cause the disease. Based on the score and internal cut-off values, a variant classified as benign is not then subjected to further curation. The score for this variant resulted in a classification of benign for this disease.

NM_004863.4(SPTLC2):c.*3666T>G

Gene: SPTLC2 (serine palmitoyltransferase long chain base subunit 2; minus strand). Cytogenetic location: 14q24.3.
Variant type: single nucleotide variant.
Coding change: c.*3666T>G on transcript NM_004863.4 (MANE Select); 3666 bases downstream of the stop codon, T replaced by G.
Molecular consequence: 3 prime UTR variant.
Genome position (GRCh38, 1-based): chr14:77,508,618, A>C on the plus strand (T>G on the coding strand, the complement: SPTLC2 is on the minus strand). VCF-style: chr14-77508618-A-C. GRCh37 (hg19) VCF-style: chr14-77974961-A-C.
Identifiers: ClinVar variation 885865 (VCV000885865.4), dbSNP rs146602683, ClinGen allele CA263819636.